The following is an entry in ClinVar:

NM_000439.5(PCSK1):c.28T>G (p.Cys10Gly)

Genes: CAST (calpastatin; plus strand), PCSK1 (proprotein convertase subtilisin/kexin type 1; minus strand), LOC101929710 (uncharacterized LOC101929710; plus strand). Cytogenetic location: 5q15.
Variant type: single nucleotide variant.
Coding change: c.28T>G on transcript NM_000439.5 (MANE Select); coding-DNA position 28, T replaced by G.
Protein change: p.Cys10Gly; replaces cysteine 10 with glycine.
Molecular consequence: missense variant. On other transcripts: intron variant (11).
Genome position (GRCh38, 1-based): chr5:96,433,015, A>C on the plus strand (T>G on the coding strand, the complement: PCSK1 is on the minus strand). VCF-style: chr5-96433015-A-C. GRCh37 (hg19) VCF-style: chr5-95768719-A-C.
Other names: c.-175+53363A>C (NM_001423255.1, NM_001423250.1, NM_001423251.1 and 6 more transcripts); c.-40+53363A>C (NM_001423258.1); c.-103+53363A>C (NM_001423253.1); short protein forms C10G.
Identifiers: ClinVar variation 3044543 (VCV003044543.2), dbSNP rs761736517, ClinGen allele CA3350611.

ClinVar aggregate classification (germline): Likely benign (0 of 4 stars; one submission).

Conditions:
PCSK1-related disorder. Also called: PCSK1-related condition.

Allele frequency attached by ClinVar (database versions not stated): TOPMed 0.00012; ExAC 0.00024; gnomAD 0.00003.
gnomAD v4.1: 72 of 1,614,086 alleles (0.0045%); highest among the groups gnomAD compares: Admixed American, 0.12%; no homozygotes.

Submission:

PreventionGenetics, part of Exact Sciences
Classification: Likely benign for PCSK1-related condition. Last evaluated: 2023-04-28. Review status: no assertion criteria provided. Collection method: clinical testing. Allele origin: germline.
Comment: This variant is classified as likely benign based on ACMG/AMP sequence variant interpretation guidelines (Richards et al. 2015 PMID: 25741868, with internal and published modifications).